The following is an entry in ClinVar:

NM_020631.6(PLEKHG5):c.1988C>T (p.Thr663Met)

Gene: PLEKHG5 (pleckstrin homology and RhoGEF domain containing G5; minus strand). Cytogenetic location: 1p36.31.
Variant type: single nucleotide variant.
Coding change: c.1988C>T on transcript NM_020631.6 (MANE Select); coding-DNA position 1988, C replaced by T.
Protein change: p.Thr663Met; replaces threonine 663 with methionine.
Molecular consequence: missense variant.
Genome position (GRCh38, 1-based): chr1:6,469,396, G>A on the plus strand (C>T on the coding strand, the complement: PLEKHG5 is on the minus strand). VCF-style: chr1-6469396-G-A. GRCh37 (hg19) VCF-style: chr1-6529456-G-A.
Other names: c.2099C>T, p.Thr700Met (NM_001042663.3, NM_001265592.2); c.1988C>T, p.Thr663Met (NM_001042664.2, NM_001042665.2, NM_001265594.3 and 1 more transcripts); c.2195C>T, p.Thr732Met (NM_001265593.2); short protein forms T663M, T732M, T740M, T700M.
Identifiers: ClinVar variation 60780 (VCV000060780.13), dbSNP rs397515456, ClinGen allele CA144680.

ClinVar aggregate classification (germline): Uncertain significance. Review status: criteria provided, multiple submitters, no conflicts (2 of 4 stars). 4 submissions from 4 submitters: Uncertain significance (3). 1 of the submissions does not count toward it. Last evaluated 2024-04-11.

Conditions:
Neuronopathy, distal hereditary motor, autosomal recessive 4. Also called: Autosomal recessive lower motor neuron disease with childhood onset; NEUROPATHY, DISTAL HEREDITARY MOTOR, AUTOSOMAL RECESSIVE 4. Identifiers: Orphanet 206580, MedGen C1970211, MONDO:0012608, OMIM 611067.
Charcot-Marie-Tooth disease recessive intermediate C. Also called: CHARCOT-MARIE-TOOTH NEUROPATHY, RECESSIVE INTERMEDIATE C. Identifiers: Orphanet 369867, MedGen C3809309, MONDO:0014154, OMIM 615376.

Allele frequency attached by ClinVar (database versions not stated): gnomAD 0.00001; gnomAD exomes 0.00002; ExAC 0.00004; TOPMed 0.00004.
gnomAD v4.1: 16 of 1,614,036 alleles (0.00099%); highest among the groups gnomAD compares: East Asian, 0.027%; no homozygotes.

Submissions (4):

Women's Health and Genetics/Laboratory Corporation of America, LabCorp
Classification: Uncertain significance. Last evaluated: 2024-04-11. Review status: criteria provided, single submitter. Criteria: LabCorp Variant Classification Summary - May 2015. Collection method: clinical testing. Allele origin: germline.
Comment: Variant summary: PLEKHG5 c.1988C>T (p.Thr663Met) results in a non-conservative amino acid change located in the Pleckstrin homology domain (IPR001849) of the encoded protein sequence. Three of four in-silico tools predict a damaging effect of the variant on protein function. The variant allele was found at a frequency of 2e-05 in 251458 control chromosomes (gnomAD). The available data on variant occurrences in the general population are insufficient to allow any conclusion about variant significance. c.1988C>T has been reported in the literature in an individual affected with an intermediate form of Charcot-Marie-Tooth disease (Kim_2013). These data do not allow any conclusion about variant significance. This publication reports experimental evidence evaluating an impact on protein function, finding that the variant modestly inhibited activation of the NF-KB pathway. The following publication has been ascertained in the context of this evaluation (PMID: 23844677). ClinVar contains an entry for this variant (Variation ID: 60780). Based on the evidence outlined above, the variant was classified as uncertain significance.

Labcorp Genetics (formerly Invitae), Labcorp
Classification: Uncertain significance for Neuronopathy, distal hereditary motor, autosomal recessive 4; Charcot-Marie-Tooth disease recessive intermediate C. Last evaluated: 2022-01-14. Review status: criteria provided, single submitter. Criteria: Invitae Variant Classification Sherloc (09022015). Collection method: clinical testing. Allele origin: germline.
Comment: This sequence change replaces threonine, which is neutral and polar, with methionine, which is neutral and non-polar, at codon 663 of the PLEKHG5 protein (p.Thr663Met). This variant is present in population databases (rs397515456, gnomAD 0.02%). This missense change has been observed in individual(s) with Charcot-Marie-Tooth disease (PMID: 23844677). ClinVar contains an entry for this variant (Variation ID: 60780). Algorithms developed to predict the effect of missense changes on protein structure and function are either unavailable or do not agree on the potential impact of this missense change (SIFT: "Deleterious"; PolyPhen-2: "Benign"; Align-GVGD: "Class C0"). Experimental studies have shown that this missense change affects PLEKHG5 function (PMID: 23844677). In summary, the available evidence is currently insufficient to determine the role of this variant in disease. Therefore, it has been classified as a Variant of Uncertain Significance.

Mayo Clinic Laboratories, Mayo Clinic
Classification: Uncertain significance. Last evaluated: 2020-05-14. Review status: criteria provided, single submitter. Criteria: ACMG Guidelines, 2015. Collection method: clinical testing. Allele origin: germline. Observed: 1 variant allele.

OMIM
Classification: Pathogenic for CHARCOT-MARIE-TOOTH DISEASE, RECESSIVE INTERMEDIATE C. Last evaluated: 2013-07-12. Review status: no assertion criteria provided. Collection method: literature only. Allele origin: germline. Not counted in ClinVar's aggregate classification.

Literature cited by the submitters: PubMed 23844677 (cited by 3 submitters).